The following is an entry in ClinVar:

ClinVar aggregate classification (germline): Uncertain significance (1 of 4 stars; one submission).

Conditions:
Inborn genetic diseases. Identifiers: MedGen C0950123, MeSH D030342.

Submission:

Ambry Genetics
Classification: Uncertain significance for Inborn genetic diseases. Last evaluated: 2026-03-17. Review status: criteria provided, single submitter. Criteria: Ambry Variant Classification Scheme 2023. Collection method: clinical testing. Allele origin: germline.
Comment: The p.S231L variant (also known as c.692C>T), located in coding exon 1 of the SAMD9L gene, results from a C to T substitution at nucleotide position 692. The serine at codon 231 is replaced by leucine, an amino acid with dissimilar properties. This amino acid position is conserved. In addition, this alteration is predicted to be tolerated by in silico analysis. Based on the available evidence, the clinical significance of this variant remains unclear.

NM_152703.5(SAMD9L):c.692C>T (p.Ser231Leu)

Gene: SAMD9L (sterile alpha motif domain containing 9 like; minus strand). Cytogenetic location: 7q21.2.
Variant type: single nucleotide variant.
Coding change: c.692C>T on transcript NM_152703.5 (MANE Select); coding-DNA position 692, C replaced by T.
Protein change: p.Ser231Leu; replaces serine 231 with leucine.
Molecular consequence: missense variant.
Genome position (GRCh38, 1-based): chr7:93,135,280, G>A on the plus strand (C>T on the coding strand, the complement: SAMD9L is on the minus strand). VCF-style: chr7-93135280-G-A. GRCh37 (hg19) VCF-style: chr7-92764593-G-A.
Other names: c.692C>T, p.Ser231Leu (NM_001303496.3, NM_001303497.3, NM_001303498.3 and 5 more transcripts); short protein forms S231L.
Identifiers: ClinVar variation 4863901 (VCV004863901.1).